The following is an entry in ClinVar:

NM_004082.5(DCTN1):c.1807C>A (p.His603Asn)

Gene: DCTN1 (dynactin subunit 1; minus strand). Cytogenetic location: 2p13.1.
Variant type: single nucleotide variant.
Coding change: c.1807C>A on transcript NM_004082.5 (MANE Select); coding-DNA position 1807, C replaced by A.
Protein change: p.His603Asn; replaces histidine 603 with asparagine.
Molecular consequence: missense variant. On other transcripts: non-coding transcript variant (1).
Genome position (GRCh38, 1-based): chr2:74,368,775, G>T on the plus strand (C>A on the coding strand, the complement: DCTN1 is on the minus strand). VCF-style: chr2-74368775-G-T. GRCh37 (hg19) VCF-style: chr2-74595902-G-T.
Other names: c.1747C>A, p.His583Asn (NM_001135040.3); c.1405C>A, p.His469Asn (NM_001135041.3, NM_023019.4); c.1696C>A, p.His566Asn (NM_001190836.2); c.1786C>A, p.His596Asn (NM_001190837.2); c.1756C>A, p.His586Asn (NM_001378991.1); c.1738C>A, p.His580Asn (NM_001378992.1); short protein forms H603N, H566N, H469N, H583N, H596N, H580N, H586N.
Identifiers: ClinVar variation 578054 (VCV000578054.12), dbSNP rs1558939544, ClinGen allele CA347355180.

ClinVar aggregate classification (germline): Uncertain significance (1 of 4 stars; one submission).

Conditions:
Amyotrophic lateral sclerosis type 1 (ALS1). Also called: AMYOTROPHIC LATERAL SCLEROSIS 1, FAMILIAL. Identifiers: Orphanet 803, MedGen C1862939, MONDO:0007103, OMIM 105400.
Perry syndrome. Also called: PARKINSONISM WITH ALVEOLAR HYPOVENTILATION AND MENTAL DEPRESSION. Identifiers: Orphanet 178509, MedGen C1868594, MONDO:0008201, OMIM 168605.
Neuronopathy, distal hereditary motor, type 7B. Also called: Distal Hereditary Motor Neuronopathy Type 7B (dHMN7B); NEURONOPATHY, DISTAL HEREDITARY MOTOR, AUTOSOMAL DOMINANT 14; NEURONOPATHY, DISTAL HEREDITARY MOTOR, HARDING TYPE VIIB; NEUROPATHY, DISTAL HEREDITARY MOTOR, HARDING TYPE VIIB; NEUROPATHY, DISTAL HEREDITARY MOTOR, WITH VOCAL CORD PARALYSIS, HARDING TYPE VIIB; HMN VIIB. Identifiers: Orphanet 139589, MedGen C1843315, MONDO:0011879, OMIM 607641.

Allele frequency attached by ClinVar (database versions not stated): gnomAD exomes below 0.00001.
gnomAD v4.1: 1 of 1,614,246 alleles (0.000062%); highest among the groups gnomAD compares: Admixed American, 0.0017%; no homozygotes.

Submission:

Labcorp Genetics (formerly Invitae), Labcorp
Classification: Uncertain significance for Amyotrophic lateral sclerosis type 1; Neuronopathy, distal hereditary motor, type 7B; Perry syndrome. Last evaluated: 2023-10-13. Review status: criteria provided, single submitter. Criteria: Invitae Variant Classification Sherloc (09022015). Collection method: clinical testing. Allele origin: germline.
Comment: This sequence change replaces histidine, which is basic and polar, with asparagine, which is neutral and polar, at codon 603 of the DCTN1 protein (p.His603Asn). This variant is not present in population databases (gnomAD no frequency). This variant has not been reported in the literature in individuals affected with DCTN1-related conditions. ClinVar contains an entry for this variant (Variation ID: 578054). Advanced modeling of protein sequence and biophysical properties (such as structural, functional, and spatial information, amino acid conservation, physicochemical variation, residue mobility, and thermodynamic stability) performed at Invitae indicates that this missense variant is not expected to disrupt DCTN1 protein function. In summary, the available evidence is currently insufficient to determine the role of this variant in disease. Therefore, it has been classified as a Variant of Uncertain Significance.